The following is an entry in ClinVar:

NM_000460.4(THPO):c.233A>G (p.Glu78Gly)

Gene: THPO (thrombopoietin; minus strand). Cytogenetic location: 3q27.1.
Variant type: single nucleotide variant.
Coding change: c.233A>G on transcript NM_000460.4 (MANE Select); coding-DNA position 233, A replaced by G.
Protein change: p.Glu78Gly; replaces glutamic acid 78 with glycine.
Molecular consequence: missense variant.
Genome position (GRCh38, 1-based): chr3:184,373,578, T>C on the plus strand (A>G on the coding strand, the complement: THPO is on the minus strand). VCF-style: chr3-184373578-T-C. GRCh37 (hg19) VCF-style: chr3-184091366-T-C.
Other names: c.233A>G, p.Glu78Gly (NM_001177597.2, NM_001177598.2, NM_001289997.1 and 5 more transcripts); c.653A>G, p.Glu218Gly (NM_001290003.1); short protein forms E218G, E78G.
Identifiers: ClinVar variation 1185024 (VCV001185024.1), dbSNP rs1447030119, ClinGen allele CA355462944.

ClinVar aggregate classification (germline): Uncertain significance (1 of 4 stars; one submission).

Conditions:
Thrombocythemia 1 (THCYT1). Also called: THROMBOCYTOSIS 1; THROMBOCYTHEMIA, SOMATIC. Identifiers: MedGen C3277671, MONDO:0008554, OMIM 187950.

Submission:

Johns Hopkins Genomics, Johns Hopkins University
Classification: Uncertain significance for Thrombocythemia 1. Last evaluated: 2021-07-06. Review status: criteria provided, single submitter. Criteria: ACMG Guidelines, 2015. Collection method: clinical testing. Allele origin: germline.
Comment: THPO c.233A>G is absent from a large population dataset and has not been reported in ClinVar nor the literature, to our knowledge. Three bioinformatic tools queried predict that this substitution would be damaging and the glutamic acid residue at this position is not evolutionarily conserved across the species assessed. We consider the clinical significance of THPO c.233A>G to be uncertain at this time.

Literature cited by the submitters: PubMed 28955303.